The following is an entry in ClinVar:

NM_001999.4(FBN2):c.1481C>A (p.Thr494Lys)

Gene: FBN2 (fibrillin 2; minus strand). Cytogenetic location: 5q23.3.
Variant type: single nucleotide variant.
Coding change: c.1481C>A on transcript NM_001999.4 (MANE Select); coding-DNA position 1481, C replaced by A.
Protein change: p.Thr494Lys; replaces threonine 494 with lysine.
Molecular consequence: missense variant.
Genome position (GRCh38, 1-based): chr5:128,392,140, G>T on the plus strand (C>A on the coding strand, the complement: FBN2 is on the minus strand). VCF-style: chr5-128392140-G-T. GRCh37 (hg19) VCF-style: chr5-127727833-G-T.
Other names: short protein forms T494K.
Identifiers: ClinVar variation 1163844 (VCV001163844.6), dbSNP rs1752532671, ClinGen allele CA360748126.

ClinVar aggregate classification (germline): Uncertain significance. Review status: criteria provided, multiple submitters, no conflicts (2 of 4 stars). 2 submissions from 2 submitters: Uncertain significance (2). Last evaluated 2023-12-13.

Allele frequency attached by ClinVar (database versions not stated): gnomAD 0.00001.
gnomAD v4.1: 3 of 1,613,226 alleles (0.00019%); highest among the groups gnomAD compares: African/African-American, 0.0013%; no homozygotes.

Submissions (2):

GeneDx
Classification: Uncertain significance. Last evaluated: 2023-12-13. Review status: criteria provided, single submitter. Criteria: GeneDx Variant Classification Process June 2021. Collection method: clinical testing. Allele origin: germline. Affected: yes.
Comment: Has not been previously published as pathogenic or benign to our knowledge; Not observed at significant frequency in large population cohorts (gnomAD); In silico analysis supports that this missense variant has a deleterious effect on protein structure/function; This variant is associated with the following publications: (PMID: 19006240, 18767143)

Mayo Clinic Laboratories, Mayo Clinic
Classification: Uncertain significance. Last evaluated: 2020-02-05. Review status: criteria provided, single submitter. Criteria: ACMG Guidelines, 2015. Collection method: clinical testing. Allele origin: germline. Observed: 1 variant allele.